The following is an entry in ClinVar:

ClinVar aggregate classification (germline): Uncertain significance (1 of 4 stars; one submission).

Conditions:
Inborn genetic diseases. Identifiers: MedGen C0950123, MeSH D030342.

gnomAD v4.1: 1 of 1,612,080 alleles (0.000062%); highest among the groups gnomAD compares: African/African-American, 0.0013%; no homozygotes.

Submission:

Ambry Genetics
Classification: Uncertain significance for Inborn genetic diseases. Last evaluated: 2025-06-04. Review status: criteria provided, single submitter. Criteria: Ambry Variant Classification Scheme 2023. Collection method: clinical testing. Allele origin: germline.
Comment: The p.T464S variant (also known as c.1390A>T), located in coding exon 10 of the BUB1B gene, results from an A to T substitution at nucleotide position 1390. The threonine at codon 464 is replaced by serine, an amino acid with similar properties. This amino acid position is conserved. In addition, this alteration is predicted to be tolerated by in silico analysis. Based on the available evidence, the clinical significance of this variant remains unclear.

NM_001211.6(BUB1B):c.1390A>T (p.Thr464Ser)

Gene: BUB1B (BUB1 mitotic checkpoint serine/threonine kinase B; plus strand). Cytogenetic location: 15q15.1.
Variant type: single nucleotide variant.
Coding change: c.1390A>T on transcript NM_001211.6 (MANE Select); coding-DNA position 1390, A replaced by T.
Protein change: p.Thr464Ser; replaces threonine 464 with serine.
Molecular consequence: missense variant.
Genome position (GRCh38, 1-based): chr15:40,199,716, A>T. VCF-style: chr15-40199716-A-T. GRCh37 (hg19) VCF-style: chr15-40491917-A-T.
Other names: short protein forms T464S.
Identifiers: ClinVar variation 3993743 (VCV003993743.1).
Genomic context (GRCh38, chr15:40,199,716, plus strand): 5'-AAACAGATTGAAGAGATGGAGAAGAAGCTAAAAGAAATCCAAACTACTCAGCAAGAAAGA[A>T]CAGGTGATCAGGTAATTTTTCTTTTTTCATACACAAAACTAGAATTTATTGAAACAAATT-3'
Protein context (NP_001202.5, residues 454-474): KEIQTTQQER[Thr464Ser]GDQQEETMPT